The following is an entry in ClinVar:

NM_152618.3(BBS12):c.79A>G (p.Arg27Gly)

Gene: BBS12 (Bardet-Biedl syndrome 12; plus strand). Cytogenetic location: 4q27.
Variant type: single nucleotide variant.
Coding change: c.79A>G on transcript NM_152618.3 (MANE Select); coding-DNA position 79, A replaced by G.
Protein change: p.Arg27Gly; replaces arginine 27 with glycine.
Molecular consequence: missense variant.
Genome position (GRCh38, 1-based): chr4:122,741,971, A>G. VCF-style: chr4-122741971-A-G. GRCh37 (hg19) VCF-style: chr4-123663126-A-G.
Other names: c.79A>G, p.Arg27Gly (NM_001178007.2); short protein forms R27G.
Identifiers: ClinVar variation 944241 (VCV000944241.9), dbSNP rs752533681, ClinGen allele CA3069239.

ClinVar aggregate classification (germline): Uncertain significance. Review status: criteria provided, multiple submitters, no conflicts (2 of 4 stars). 4 submissions from 4 submitters: Uncertain significance (3). 1 of the submissions does not count toward it. Last evaluated 2024-08-12.

Conditions:
Bardet-Biedl syndrome 12 (BBS12). Identifiers: Orphanet 110, MedGen C1859570, MONDO:0014440, OMIM 615989.
Bardet-Biedl syndrome (BBS). Identifiers: Orphanet 110, MedGen C0752166, MONDO:0015229.

Allele frequency attached by ClinVar (database versions not stated): gnomAD 0.00001; TOPMed 0.00006.
gnomAD v4.1: 18 of 1,613,578 alleles (0.0011%); highest among the groups gnomAD compares: East Asian, 0.029%; no homozygotes.

Submissions (4):

Labcorp Genetics (formerly Invitae), Labcorp
Classification: Uncertain significance for Bardet-Biedl syndrome. Last evaluated: 2024-08-12. Review status: criteria provided, single submitter. Criteria: Invitae Variant Classification Sherloc (09022015). Collection method: clinical testing. Allele origin: germline.
Comment: This sequence change replaces arginine, which is basic and polar, with glycine, which is neutral and non-polar, at codon 27 of the BBS12 protein (p.Arg27Gly). This variant is present in population databases (rs752533681, gnomAD 0.02%). This variant has not been reported in the literature in individuals affected with BBS12-related conditions. ClinVar contains an entry for this variant (Variation ID: 944241). Advanced modeling of protein sequence and biophysical properties (such as structural, functional, and spatial information, amino acid conservation, physicochemical variation, residue mobility, and thermodynamic stability) performed at Invitae indicates that this missense variant is expected to disrupt BBS12 protein function with a positive predictive value of 80%. In summary, the available evidence is currently insufficient to determine the role of this variant in disease. Therefore, it has been classified as a Variant of Uncertain Significance.

Fulgent Genetics
Classification: Uncertain significance for Bardet-Biedl syndrome 12. Last evaluated: 2022-04-29. Review status: criteria provided, single submitter. Criteria: ACMG Guidelines, 2015. Collection method: clinical testing. Allele origin: unknown.

Blueprint Genetics
Classification: Uncertain significance. Last evaluated: 2021-06-07. Review status: criteria provided, single submitter. Criteria: ACMG Guidelines, 2015. Collection method: clinical testing. Allele origin: germline.

Natera, Inc.
Classification: Uncertain significance for Bardet-Biedl syndrome type 12. Last evaluated: 2020-02-26. Review status: no assertion criteria provided. Collection method: clinical testing. Allele origin: germline. Not counted in ClinVar's aggregate classification.